The following is an entry in ClinVar:

ClinVar aggregate classification (germline): Uncertain significance. Review status: criteria provided, multiple submitters, no conflicts (2 of 4 stars). 2 submissions from 2 submitters: Uncertain significance (2). Last evaluated 2023-02-16.

Conditions:
Ataxia-telangiectasia-like disorder (ATLD). Identifiers: MedGen C1858391, MONDO:0011457.
Hereditary cancer-predisposing syndrome. Also called: Tumor predisposition; Hereditary neoplastic syndrome; Neoplastic Syndromes, Hereditary; Hereditary Cancer Syndrome. Identifiers: Orphanet 140162, MedGen C0027672, MeSH D009386, MONDO:0015356.

Allele frequency attached by ClinVar (database versions not stated): gnomAD exomes 0.00001; ExAC 0.00002; gnomAD 0.00003 and 0.00004; TOPMed 0.00009.
gnomAD v4.1: 13 of 1,613,294 alleles (0.00081%); highest among the groups gnomAD compares: African/African-American, 0.008%; no homozygotes.

Submissions (2):

Ambry Genetics
Classification: Uncertain significance for Hereditary cancer-predisposing syndrome. Last evaluated: 2023-02-16. Review status: criteria provided, single submitter. Criteria: Ambry Variant Classification Scheme 2023. Collection method: clinical testing. Allele origin: germline.
Comment: The p.Q438E variant (also known as c.1312C>G), located in coding exon 11 of the MRE11A gene, results from a C to G substitution at nucleotide position 1312. The glutamine at codon 438 is replaced by glutamic acid, an amino acid with highly similar properties. This amino acid position is not well conserved in available vertebrate species, and glutamic acid is the reference amino acid in other vertebrate species. In addition, this alteration is predicted to be tolerated by in silico analysis. Since supporting evidence is limited at this time, the clinical significance of this alteration remains unclear.

Labcorp Genetics (formerly Invitae), Labcorp
Classification: Uncertain significance for Ataxia-telangiectasia-like disorder. Last evaluated: 2022-02-24. Review status: criteria provided, single submitter. Criteria: Invitae Variant Classification Sherloc (09022015). Collection method: clinical testing. Allele origin: germline.
Comment: This sequence change replaces glutamine, which is neutral and polar, with glutamic acid, which is acidic and polar, at codon 438 of the MRE11 protein (p.Gln438Glu). This variant is present in population databases (rs754078280, gnomAD 0.02%). This variant has not been reported in the literature in individuals affected with MRE11-related conditions. ClinVar contains an entry for this variant (Variation ID: 818879). Algorithms developed to predict the effect of missense changes on protein structure and function (SIFT, PolyPhen-2, Align-GVGD) all suggest that this variant is likely to be tolerated. In summary, the available evidence is currently insufficient to determine the role of this variant in disease. Therefore, it has been classified as a Variant of Uncertain Significance.

NM_005591.4(MRE11):c.1312C>G (p.Gln438Glu)

Gene: MRE11 (MRE11 double strand break repair nuclease; minus strand). Cytogenetic location: 11q21.
Variant type: single nucleotide variant.
Coding change: c.1312C>G on transcript NM_005591.4 (MANE Select); coding-DNA position 1312, C replaced by G.
Protein change: p.Gln438Glu; replaces glutamine 438 with glutamic acid.
Molecular consequence: missense variant.
Genome position (GRCh38, 1-based): chr11:94,460,950, G>C on the plus strand (C>G on the coding strand, the complement: MRE11 is on the minus strand). VCF-style: chr11-94460950-G-C. GRCh37 (hg19) VCF-style: chr11-94194116-G-C.
Other names: c.1312C>G, p.Gln438Glu (NM_001330347.2, NM_005590.4); short protein forms Q438E.
Identifiers: ClinVar variation 818879 (VCV000818879.11), dbSNP rs754078280, ClinGen allele CA6235108.